The following is an entry in ClinVar:

NM_001011658.4(TRAPPC2):c.38A>G (p.His13Arg)

Genes: OFD1 (OFD1 centriole and centriolar satellite protein; plus strand), TRAPPC2 (trafficking protein particle complex subunit 2; minus strand). Cytogenetic location: Xp22.2.
Variant type: single nucleotide variant.
Coding change: c.38A>G on transcript NM_001011658.4 (MANE Select); coding-DNA position 38, A replaced by G.
Protein change: p.His13Arg; replaces histidine 13 with arginine.
Molecular consequence: missense variant.
Genome position (GRCh38, 1-based): chrX:13,719,926, T>C on the plus strand (A>G on the coding strand, the complement: TRAPPC2 is on the minus strand). VCF-style: chrX-13719926-T-C. GRCh37 (hg19) VCF-style: chrX-13738045-T-C.
Other names: c.140A>G, p.His47Arg (NM_001128835.3); c.38A>G, p.His13Arg (NM_014563.6); short protein forms H13R, H47R.
Identifiers: ClinVar variation 1950349 (VCV001950349.5), dbSNP rs768120589, ClinGen allele CA326094097.

ClinVar aggregate classification (germline): Uncertain significance (1 of 4 stars; one submission).

Allele frequency attached by ClinVar (database versions not stated): gnomAD exomes 0.00001.
gnomAD v4.1: 10 of 1,203,876 alleles (0.00083%); highest among the groups gnomAD compares: Non-Finnish European, 0.0011%; no homozygotes.

Submission:

Labcorp Genetics (formerly Invitae), Labcorp
Classification: Uncertain significance. Last evaluated: 2022-07-29. Review status: criteria provided, single submitter. Criteria: Invitae Variant Classification Sherloc (09022015). Collection method: clinical testing. Allele origin: germline.
Comment: In summary, the available evidence is currently insufficient to determine the role of this variant in disease. Therefore, it has been classified as a Variant of Uncertain Significance. Algorithms developed to predict the effect of missense changes on protein structure and function (SIFT, PolyPhen-2, Align-GVGD) all suggest that this variant is likely to be tolerated. This variant has not been reported in the literature in individuals affected with TRAPPC2-related conditions. This variant is not present in population databases (gnomAD no frequency). This sequence change replaces histidine, which is basic and polar, with arginine, which is basic and polar, at codon 13 of the TRAPPC2 protein (p.His13Arg).